The following is an entry in ClinVar:

NM_000302.4(PLOD1):c.1763G>A (p.Arg588His)

Gene: PLOD1 (procollagen-lysine,2-oxoglutarate 5-dioxygenase 1; plus strand). Cytogenetic location: 1p36.22.
Variant type: single nucleotide variant.
Coding change: c.1763G>A on transcript NM_000302.4 (MANE Select); coding-DNA position 1763, G replaced by A.
Protein change: p.Arg588His; replaces arginine 588 with histidine.
Molecular consequence: missense variant.
Genome position (GRCh38, 1-based): chr1:11,970,677, G>A. VCF-style: chr1-11970677-G-A. GRCh37 (hg19) VCF-style: chr1-12030734-G-A.
Other names: p.Arg588His; c.1763G>A (NM_000302.3); c.1904G>A, p.Arg635His (NM_001316320.2); short protein forms R588H, R635H.
Identifiers: ClinVar variation 4542541 (VCV004542541.2).

ClinVar aggregate classification (germline): Uncertain significance. Review status: criteria provided, multiple submitters, no conflicts (2 of 4 stars). 2 submissions from 2 submitters: Uncertain significance (2). Last evaluated 2026-02-25.

Conditions:
Familial thoracic aortic aneurysm and aortic dissection (TAAD). Also called: Thoracic aortic aneurysms and dissections. Identifiers: Orphanet 91387, MedGen C4707243, MONDO:0019625.

gnomAD v4.1: 11 of 1,613,034 alleles (0.00068%); highest among the groups gnomAD compares: South Asian, 0.0022%; no homozygotes.

Submissions (2):

Ambry Genetics
Classification: Uncertain significance for Familial thoracic aortic aneurysm and aortic dissection. Last evaluated: 2026-02-25. Review status: criteria provided, single submitter. Criteria: Ambry Variant Classification Scheme 2023. Collection method: clinical testing. Allele origin: germline.
Comment: The p.R588H variant (also known as c.1763G>A), located in coding exon 17 of the PLOD1 gene, results from a G to A substitution at nucleotide position 1763. The arginine at codon 588 is replaced by histidine, an amino acid with highly similar properties. This amino acid position is highly conserved in available vertebrate species. In addition, this alteration is predicted to be deleterious by in silico analysis. Based on the available evidence, the clinical significance of this variant remains unclear.

Mayo Clinic Laboratories, Mayo Clinic
Classification: Uncertain significance. Last evaluated: 2025-05-28. Review status: criteria provided, single submitter. Criteria: ACMG Guidelines, 2015. Collection method: clinical testing. Allele origin: germline. Observed: 1 variant allele.
Comment: PP3, PM2_supporting